The following is an entry in ClinVar:

NM_002734.5(PRKAR1A):c.82C>T (p.Gln28Ter)

Gene: PRKAR1A (protein kinase cAMP-dependent type I regulatory subunit alpha; plus strand). Cytogenetic location: 17q24.2.
Variant type: single nucleotide variant.
Coding change: c.82C>T on transcript NM_002734.5 (MANE Select); coding-DNA position 82, C replaced by T.
Protein change: p.Gln28Ter; replaces glutamine 28 with a stop codon.
Molecular consequence: nonsense.
Genome position (GRCh38, 1-based): chr17:68,515,481, C>T. VCF-style: chr17-68515481-C-T. GRCh37 (hg19) VCF-style: chr17-66511622-C-T.
Other names: c.82C>T, p.Gln28Ter (NM_001276289.2, NM_001276290.1, NM_001278433.2 and 4 more transcripts); c.82C>T (NM_002734.3); short protein forms Q28*.
Identifiers: ClinVar variation 41394 (VCV000041394.5), dbSNP rs281864780, ClinGen allele CA344454.

ClinVar aggregate classification (germline): Likely pathogenic. Review status: criteria provided, single submitter (1 of 4 stars). 2 submissions from 2 submitters: Likely pathogenic (1). 1 of the submissions does not count toward it. Last evaluated 2025-09-05.

Conditions:
Hereditary cancer-predisposing syndrome. Also called: Hereditary neoplastic syndrome; Neoplastic Syndromes, Hereditary; Hereditary Cancer Syndrome; Tumor predisposition. Identifiers: Orphanet 140162, MedGen C0027672, MeSH D009386, MONDO:0015356.
Carney complex, type 1 (CNC1). Also called: CARNEY COMPLEX, TYPE I; CARNEY MYXOMA-ENDOCRINE COMPLEX. Identifiers: Orphanet 1359, MedGen C2607929, MONDO:0008057, OMIM 160980.

Submissions (2):

Ambry Genetics
Classification: Likely pathogenic for Hereditary cancer-predisposing syndrome. Last evaluated: 2025-09-05. Review status: criteria provided, single submitter. Criteria: Ambry Variant Classification Scheme 2023. Collection method: clinical testing. Allele origin: germline.
Comment: The p.Q28* variant (also known as c.82C>T), located in coding exon 1 of the PRKAR1A gene, results from a C to T substitution at nucleotide position 82. This changes the amino acid from a glutamine to a stop codon within coding exon 1. The predicted stop codon occurs in the 5&rsquo; end of thegene. Premature termination codons in the 5&rsquo; end of a gene have been reported to escape nonsense-mediated mRNAdecay and/or lead to re-initiation (Rivas et al. Science. 2015 May 8;348(6235):666-9; Lindeboom et al. Nat Genet. 2016 Oct;48(10):1112-8; Rhee et al. Sci Rep. 2017 May 10;7(1):1653). Direct evidence for this alteration is unavailable, however premature termination codons are typically deleterious in nature. This variant was reported in individual(s) with features consistent with Carney complex (Hofland J et al. Eur J Endocrinol, 2013 Jan;168:67-74). (Kirschner LS et al. Nat Genet, 2000 Sep;26:89-92). This variant is considered to be rare based on population cohorts in the Genome Aggregation Database (gnomAD). Based on the supporting evidence, this alteration is likely pathogenic for Carney complex; however, the association of this alteration with acrodysostosis is unlikely.

GeneReviews
No classification provided. Condition: Carney complex, type 1. Review status: no classification provided. Collection method: literature only. Allele origin: germline. Not counted in ClinVar's aggregate classification.

Literature cited by the submitters: PubMed 10973256 (cited by Ambry Genetics and GeneReviews); PubMed 23065993 (cited by Ambry Genetics).